The following is an entry in ClinVar:

NM_001105247.2(ARMC5):c.1842C>G (p.Leu614=)

Gene: ARMC5 (armadillo repeat containing 5; plus strand). Cytogenetic location: 16p11.2.
Variant type: single nucleotide variant.
Coding change: c.1842C>G on transcript NM_001105247.2 (MANE Select); coding-DNA position 1842, C replaced by G.
Protein change: p.Leu614=; no amino-acid change (leucine 614 retained).
Molecular consequence: synonymous variant.
Genome position (GRCh38, 1-based): chr16:31,464,865, C>G. VCF-style: chr16-31464865-C-G. GRCh37 (hg19) VCF-style: chr16-31476186-C-G.
Other names: c.2127C>G, p.Leu709= (NM_001288767.2); c.1938C>G, p.Leu646= (NM_001301820.1); c.1842C>G, p.Leu614= (NM_024742.2); c.1842C>G (NM_001105247.1).
Identifiers: ClinVar variation 4929637 (VCV004929637.2).

ClinVar aggregate classification (germline): Benign/Likely benign. Review status: criteria provided, multiple submitters, no conflicts (2 of 4 stars). 2 submissions from 2 submitters: Benign (1); Likely benign (1). Last evaluated 2026-04-23.

Conditions:
ARMC5-related disorder. Also called: ARMC5-related condition.

gnomAD v4.1: 131,656 of 1,600,760 alleles (8.2%); highest among the groups gnomAD compares: Non-Finnish European, 9.4%; 5,982 homozygotes.

Submissions (2):

PreventionGenetics, part of Exact Sciences
Classification: Benign for ARMC5-related condition. Last evaluated: 2026-04-23. Review status: criteria provided, single submitter. Criteria: ACMG Guidelines, 2015. Collection method: clinical testing. Allele origin: germline.
Comment: This variant is classified as benign based on ACMG/AMP sequence variant interpretation guidelines (Richards et al. 2015 PMID: 25741868, with internal and published modifications).

Blueprint Genetics
Classification: Likely benign. Last evaluated: 2024-11-27. Review status: criteria provided, single submitter. Criteria: ACMG Guidelines, 2015. Collection method: clinical testing. Allele origin: germline.